The following is an entry in ClinVar:

NM_004958.4(MTOR):c.5506G>A (p.Ala1836Thr)

Gene: MTOR (mechanistic target of rapamycin kinase; minus strand). Cytogenetic location: 1p36.22.
Variant type: single nucleotide variant.
Coding change: c.5506G>A on transcript NM_004958.4 (MANE Select); coding-DNA position 5506, G replaced by A.
Protein change: p.Ala1836Thr; replaces alanine 1836 with threonine.
Molecular consequence: missense variant.
Genome position (GRCh38, 1-based): chr1:11,130,636, C>T on the plus strand (G>A on the coding strand, the complement: MTOR is on the minus strand). VCF-style: chr1-11130636-C-T. GRCh37 (hg19) VCF-style: chr1-11190693-C-T.
Other names: c.5506G>A, p.Ala1836Thr (NM_001386500.1); c.4258G>A, p.Ala1420Thr (NM_001386501.1); short protein forms A1420T, A1836T.
Identifiers: ClinVar variation 1168153 (VCV001168153.15), dbSNP rs180992388, ClinGen allele CA589327.

ClinVar aggregate classification (germline): Benign/Likely benign. Review status: criteria provided, multiple submitters, no conflicts (2 of 4 stars). 3 submissions from 3 submitters: Benign (1); Likely benign (1). 1 of the submissions does not count toward it. Last evaluated 2024-09-10.

Conditions:
Isolated focal cortical dysplasia type II (FCORD2). Also called: CORTICAL DYSPLASIA OF TAYLOR; Focal cortical dysplasia type II. Identifiers: Orphanet 268994, MedGen C1846385, MONDO:0011818, OMIM 607341, HP:0032051.

Allele frequency attached by ClinVar (database versions not stated): gnomAD exomes 0.00005; 1000 Genomes Project 0.00060.
gnomAD v4.1: 83 of 1,613,658 alleles (0.0051%); highest among the groups gnomAD compares: East Asian, 0.13%; no homozygotes.

Submissions (3):

Labcorp Genetics (formerly Invitae), Labcorp
Classification: Benign. Last evaluated: 2024-09-10. Review status: criteria provided, single submitter. Criteria: Invitae Variant Classification Sherloc (09022015). Collection method: clinical testing. Allele origin: germline.

Blueprint Genetics
Classification: Likely benign. Last evaluated: 2024-09-06. Review status: criteria provided, single submitter. Criteria: ACMG Guidelines, 2015. Collection method: clinical testing. Allele origin: germline.

University of Washington Department of Laboratory Medicine, University of Washington
Classification: Likely benign for Isolated focal cortical dysplasia type II. Last evaluated: 2019-10-29. Review status: no assertion criteria provided. Collection method: clinical testing. Allele origin: unknown. Not counted in ClinVar's aggregate classification.
Comment: This variant has not been previously reported in individuals with MTOR-related disorders, to date. This variant is present in approximately 1/1000 individuals in an unaffected control population of East Asian ancestry (gnomAD).